The following is an entry in ClinVar:

NM_152631.3(FAM47B):c.1863T>A (p.Val621=)

Gene: FAM47B (family with sequence similarity 47 member B; plus strand). Cytogenetic location: Xp21.1.
Variant type: single nucleotide variant.
Coding change: c.1863T>A on transcript NM_152631.3 (MANE Select); coding-DNA position 1863, T replaced by A.
Protein change: p.Val621=; no amino-acid change (valine 621 retained).
Molecular consequence: synonymous variant.
Genome position (GRCh38, 1-based): chrX:34,944,694, T>A. VCF-style: chrX-34944694-T-A. GRCh37 (hg19) VCF-style: chrX-34962811-T-A.
Identifiers: ClinVar variation 3048754 (VCV003048754.2), dbSNP rs147727559, ClinGen allele CA10381178.

ClinVar aggregate classification (germline): Benign (0 of 4 stars; one submission).

Conditions:
FAM47B-related disorder. Also called: FAM47B-related condition.

Allele frequency attached by ClinVar (database versions not stated): ExAC 0.00161; 1000 Genomes Project 30x 0.00208; 1000 Genomes Project 0.00212; gnomAD 0.00382; TOPMed 0.00465; ESP Exome Variant Server 0.00530.

Submission:

PreventionGenetics, part of Exact Sciences
Classification: Benign for FAM47B-related condition. Last evaluated: 2019-12-09. Review status: no assertion criteria provided. Collection method: clinical testing. Allele origin: germline.
Comment: This variant is classified as benign based on ACMG/AMP sequence variant interpretation guidelines (Richards et al. 2015 PMID: 25741868, with internal and published modifications).